The following is an entry in ClinVar:

ClinVar aggregate classification (germline): Conflicting classifications of pathogenicity. Review status: criteria provided, conflicting classifications (1 of 4 stars). 3 submissions from 3 submitters: Likely pathogenic (2); Uncertain significance (1). Last evaluated 2025-10-20.

Conditions:
Biotinidase deficiency. Also called: BTD deficiency; Late-onset biotin-responsive multiple carboxylase deficiency; Biotin deficiency. Identifiers: Orphanet 79241, MedGen C0220754, MONDO:0009665, OMIM 253260.

Allele frequency attached by ClinVar (database versions not stated): gnomAD exomes below 0.00001; TOPMed 0.00001; gnomAD 0.00003.
gnomAD v4.1: 4 of 1,605,048 alleles (0.00025%); highest among the groups gnomAD compares: African/African-American, 0.0053%; no homozygotes.

Submissions (3):

Labcorp Genetics (formerly Invitae), Labcorp
Classification: Likely pathogenic for Biotinidase deficiency. Last evaluated: 2025-10-20. Review status: criteria provided, single submitter. Criteria: Invitae Variant Classification Sherloc (09022015). Collection method: clinical testing. Allele origin: germline.
Comment: This sequence change replaces aspartic acid, which is acidic and polar, with valine, which is neutral and non-polar, at codon 543 of the BTD protein (p.Asp543Val). The frequency data for this variant in the population databases is considered unreliable, as metrics indicate poor data quality at this position in the gnomAD database. This missense change has been observed in individual(s) with biotinidase deficiency (PMID: 26810761; internal data). In at least one individual the data is consistent with being in trans (on the opposite chromosome) from a pathogenic variant. ClinVar contains an entry for this variant (Variation ID: 2503972). Invitae Evidence Modeling of protein sequence and biophysical properties (such as structural, functional, and spatial information, amino acid conservation, physicochemical variation, residue mobility, and thermodynamic stability) indicates that this missense variant is expected to disrupt BTD protein function with a positive predictive value of 95%. This variant disrupts the p.Asp543 amino acid residue in BTD. Other variant(s) that disrupt this residue have been determined to be pathogenic (PMID: 25174816, 25967232, 28498829). This suggests that this residue is clinically significant, and that variants that disrupt this residue are likely to be disease-causing. In summary, the currently available evidence indicates that the variant is pathogenic, but additional data are needed to prove that conclusively. Therefore, this variant has been classified as Likely Pathogenic.

Baylor Genetics
Classification: Likely pathogenic for Biotinidase deficiency. Last evaluated: 2023-11-30. Review status: criteria provided, single submitter. Criteria: ACMG Guidelines, 2015. Collection method: clinical testing. Allele origin: unknown.

Women's Health and Genetics/Laboratory Corporation of America, LabCorp
Classification: Uncertain significance. Last evaluated: 2023-04-13. Review status: criteria provided, single submitter. Criteria: LabCorp Variant Classification Summary - May 2015. Collection method: clinical testing. Allele origin: germline.
Comment: Variant summary: BTD c.1568A>T (p.Asp523Val) results in a non-conservative amino acid change in the encoded protein sequence. Five of five in-silico tools predict a damaging effect of the variant on protein function. The variant allele was found at a frequency of 4.2e-06 in 236628 control chromosomes (gnomAD). c.1568A>T has been reported in the literature in at least one compound heterozygous individual affected with Biotinidase Deficiency (Procter_2016). These data do not allow any conclusion about variant significance. To our knowledge, no experimental evidence demonstrating an impact on protein function has been reported. No clinical diagnostic laboratories have submitted clinical-significance assessments for this variant to ClinVar after 2014. However, different substitutions at the same codon have been classified as pathogenic/likely pathogenic within ClinVar, suggesting this amino acid residue may be important for normal protein function (e.g. c.1568A>G [p.Asp523Gly], c.1569C>A [p.Asp523Glu]). Based on the evidence outlined above, the variant was classified as VUS-possibly pathogenic.

Literature cited by the submitters: PubMed 26810761 (cited by Labcorp Genetics (formerly Invitae), Labcorp and Women's Health and Genetics/Laboratory Corporation of America, LabCorp); PubMed 25174816 (cited by Labcorp Genetics (formerly Invitae), Labcorp); PubMed 25967232 (cited by Labcorp Genetics (formerly Invitae), Labcorp); PubMed 28498829 (cited by Labcorp Genetics (formerly Invitae), Labcorp).

NM_001370658.1(BTD):c.1568A>T (p.Asp523Val)

Gene: BTD (biotinidase; plus strand). Cytogenetic location: 3p25.1.
Variant type: single nucleotide variant.
Coding change: c.1568A>T on transcript NM_001370658.1 (MANE Select); coding-DNA position 1568, A replaced by T.
Protein change: p.Asp523Val; replaces aspartic acid 523 with valine.
Molecular consequence: missense variant. On other transcripts: intron variant (2).
Genome position (GRCh38, 1-based): chr3:15,645,484, A>T. VCF-style: chr3-15645484-A-T. GRCh37 (hg19) VCF-style: chr3-15686991-A-T.
Other names: c.1568A>T, p.Asp523Val (NM_001407374.1, NM_001407368.1, NM_001407369.1 and 16 more transcripts); c.1015+553A>T (NM_001370752.1); c.399+3427A>T (NM_001370753.1); c.1628A>T, p.Asp543Val (NM_000060.4); short protein forms D523V.
Identifiers: ClinVar variation 2503972 (VCV002503972.4), dbSNP rs1050035768, ClinGen allele CA70623352.